The following is an entry in ClinVar:

ClinVar aggregate classification (germline): Pathogenic (1 of 4 stars; one submission).

Conditions:
Hereditary cancer-predisposing syndrome. Also called: Tumor predisposition; Hereditary Cancer Syndrome; Hereditary neoplastic syndrome; Neoplastic Syndromes, Hereditary. Identifiers: Orphanet 140162, MedGen C0027672, MeSH D009386, MONDO:0015356.

Submission:

Ambry Genetics
Classification: Pathogenic for Hereditary cancer-predisposing syndrome. Last evaluated: 2022-12-12. Review status: criteria provided, single submitter. Criteria: Ambry Variant Classification Scheme 2023. Collection method: clinical testing. Allele origin: germline.
Comment: The p.Y2404* pathogenic mutation (also known as c.7212C>G), located in coding exon 48 of the ATM gene, results from a C to G substitution at nucleotide position 7212. This changes the amino acid from a tyrosine to a stop codon within coding exon 48. This variant is considered to be rare based on population cohorts in the Genome Aggregation Database (gnomAD). This alteration is expected to result in loss of function by premature protein truncation or nonsense-mediated mRNA decay. As such, this alteration is interpreted as a disease-causing mutation.

NM_000051.4(ATM):c.7212C>G (p.Tyr2404Ter)

Genes: ATM (ATM serine/threonine kinase; plus strand), C11orf65 (chromosome 11 open reading frame 65; minus strand). Cytogenetic location: 11q22.3.
Variant type: single nucleotide variant.
Coding change: c.7212C>G on transcript NM_000051.4 (MANE Select); coding-DNA position 7212, C replaced by G.
Protein change: p.Tyr2404Ter; replaces tyrosine 2404 with a stop codon.
Molecular consequence: nonsense. On other transcripts: intron variant (2).
Genome position (GRCh38, 1-based): chr11:108,329,143, C>G. VCF-style: chr11-108329143-C-G. GRCh37 (hg19) VCF-style: chr11-108199870-C-G.
Other names: c.7212C>G, p.Tyr2404Ter (NM_001351834.2); c.641-20072G>C (NM_001330368.2); c.*38+6077G>C (NM_001351110.2); short protein forms Y2404*.
Identifiers: ClinVar variation 2453938 (VCV002453938.2), dbSNP rs1591151390, ClinGen allele CA382559643.